The following is an entry in ClinVar:

ClinVar aggregate classification (germline): Uncertain significance (1 of 4 stars; one submission).

Conditions:
Familial hypocalciuric hypercalcemia 1. Also called: Hypercalcemia, familial benign type 1. Identifiers: Orphanet 405, Orphanet 93372, MedGen C0342637, MONDO:0007791, OMIM 145980.

Submission:

Genetics and Molecular Pathology, SA Pathology
Classification: Uncertain significance for Familial hypocalciuric hypercalcemia 1. Last evaluated: 2023-07-10. Review status: criteria provided, single submitter. Criteria: ACMG Guidelines, 2015. Collection method: clinical testing. Allele origin: germline. Inheritance: Autosomal dominant inheritance. Affected: yes.
Comment: The CASR c.1786A>C variant is classified as VUS (PM2, PP3) The CASR c.1786A>C variant is a single nucleotide change in exon 7/7 of the CASR gene, which is predicted to change the amino acid threonine at position 596 in the protein to proline. This variant is absent from population databases (PM2). Computational predictions support a deleterious effect on the gene or gene product (PP3).This variant has not been reported in dbSNP, ClinVar or HGMD.

NM_000388.4(CASR):c.1786A>C (p.Thr596Pro)

Gene: CASR (calcium sensing receptor; plus strand). Cytogenetic location: 3q21.1.
Variant type: single nucleotide variant.
Coding change: c.1786A>C on transcript NM_000388.4 (MANE Select); coding-DNA position 1786, A replaced by C.
Protein change: p.Thr596Pro; replaces threonine 596 with proline.
Molecular consequence: missense variant.
Genome position (GRCh38, 1-based): chr3:122,283,740, A>C. VCF-style: chr3-122283740-A-C. GRCh37 (hg19) VCF-style: chr3-122002587-A-C.
Other names: c.1816A>C, p.Thr606Pro (NM_001178065.2); short protein forms T596P, T606P.
Identifiers: ClinVar variation 2664844 (VCV002664844.1), dbSNP rs2473276235, ClinGen allele CA354157342.